The following continues an entry in ClinVar:

NM_001267550.2(TTN):c.45175G>A (p.Ala15059Thr)

ClinVar aggregate classification (germline): Benign/Likely benign. Benign (17); Likely benign (8).

Submissions 21 to 30 of 30:

GeneDx
Classification: Benign. Last evaluated: 2016-02-08. Review status: criteria provided, single submitter. Criteria: GeneDx Variant Classification (06012015). Collection method: clinical testing. Allele origin: germline. Affected: yes.
Comment: This variant is considered likely benign or benign based on one or more of the following criteria: it is a conservative change, it occurs at a poorly conserved position in the protein, it is predicted to be benign by multiple in silico algorithms, and/or has population frequency not consistent with disease.

Eurofins Ntd Llc (ga)
Classification: Benign. Last evaluated: 2015-09-01. Review status: criteria provided, single submitter. Criteria: EGL Classification Definitions 2015. Collection method: clinical testing. Allele origin: germline. Observed: 1 variant allele, 1 heterozygote.

Laboratory for Molecular Medicine, Mass General Brigham Personalized Medicine
Classification: Benign. Last evaluated: 2015-02-25. Review status: criteria provided, single submitter. Criteria: LMM Criteria. Collection method: clinical testing. Allele origin: germline. Observed: 13 variant alleles.
Comment: p.Ala12491Thr in exon 194 of TTN: This variant is not expected to have clinical significance because it has been identified in 1.6% (262/16486) of South Asian c hromosomes by the Exome Aggregation Consortium (ExAC .org; dbSNP rs144668626).

Biesecker Lab/Clinical Genomics Section, National Institutes of Health
Classification: Likely benign. Last evaluated: 2013-06-24. Review status: criteria provided, single submitter. Criteria: Ng et al. (Circ Cardiovasc Genet. 2013). Collection method: research. Allele origin: unknown. Observed: 5 variant alleles. Study: ClinSeq.
Comment: The study set was not selected for affection status in relation to any cancer. Pathogenicity categories were based on literature curation. See Pubmed ID:23861362 for details.

Medical sequencing

Breakthrough Genomics
Classification: Likely benign. Review status: criteria provided, single submitter. Criteria: ACMG Guidelines, 2015. Collection method: not provided. Allele origin: germline. Inheritance: Autosomal recessive inheritance. Affected: yes.

Clinical Genetics, Academic Medical Center
Classification: Benign. Review status: no assertion criteria provided. Collection method: clinical testing. Allele origin: germline. Affected: yes. Study: VKGL Data-share Consensus. Not counted in ClinVar's aggregate classification.

Diagnostic Laboratory, Department of Genetics, University Medical Center Groningen
Classification: Likely benign. Review status: no assertion criteria provided. Collection method: clinical testing. Allele origin: germline. Affected: yes. Study: VKGL Data-share Consensus. Not counted in ClinVar's aggregate classification.

Genome Diagnostics Laboratory, University Medical Center Utrecht
Classification: Benign. Review status: no assertion criteria provided. Collection method: clinical testing. Allele origin: germline. Affected: yes. Study: VKGL Data-share Consensus. Not counted in ClinVar's aggregate classification.

Joint Genome Diagnostic Labs from Nijmegen and Maastricht, Radboudumc and MUMC+
Classification: Benign. Review status: no assertion criteria provided. Collection method: clinical testing. Allele origin: germline. Affected: yes. Study: VKGL Data-share Consensus. Not counted in ClinVar's aggregate classification.

Laboratory of Diagnostic Genome Analysis, Leiden University Medical Center (LUMC)
Classification: Likely benign. Review status: no assertion criteria provided. Collection method: clinical testing. Allele origin: germline. Affected: yes. Study: VKGL Data-share Consensus. Not counted in ClinVar's aggregate classification.

Literature cited by the submitters: PubMed 23861362 (cited by Athena Diagnostics); PubMed 24503780 (cited by Athena Diagnostics).